The following is an entry in ClinVar:

NM_003640.5(ELP1):c.3169del (p.Val1057fs)

Gene: ELP1 (elongator acetyltransferase complex subunit 1; minus strand). Cytogenetic location: 9q31.3.
Variant type: Deletion.
Coding change: c.3169del on transcript NM_003640.5 (MANE Select); coding-DNA position 3169, one base deleted (G; older notation c.3169delG).
Protein change: p.Val1057fs; shifts the reading frame from valine 1057.
Molecular consequence: frameshift variant.
Genome position (GRCh38, 1-based): chr9:108,889,385, C deleted on the plus strand (G on the coding strand, the reverse complement: ELP1 is on the minus strand); the first of 2 consecutive C bases (chr9:108,889,385-108,889,386); deleting either gives the same sequence. VCF-style (leftmost placement, unchanged base first): chr9-108889384-AC-A. GRCh37 (hg19) VCF-style: chr9-111651664-AC-A.
Other names: c.2827del, p.Val943fs (NM_001318360.2); c.2122del, p.Val708fs (NM_001330749.2); short protein forms V1057fs, V708fs, V943fs.
Identifiers: ClinVar variation 4815221 (VCV004815221.1).

ClinVar aggregate classification (germline): Likely pathogenic (1 of 4 stars; one submission).

Conditions:
Familial dysautonomia. Also called: HSAN III; FD. Identifiers: Orphanet 1764, MedGen C0013364, MONDO:0009131, OMIM 223900. Disease mechanism: loss of function.

Submission:

Natera, Inc.
Classification: Likely pathogenic for Familial dysautonomia. Last evaluated: 2024-09-26. Review status: criteria provided, single submitter. Criteria: Natera Variant Classification Schema (03/2026). Collection method: clinical testing. Allele origin: germline.
Comment: The c.3169delG variant in ELP1 is a frameshift variant predicted to shift the reading frame beginning at codon 1057 and leads to a stop codon 28 codons downstream. This variant is expected to result in nonsense mediated decay, truncation, or a dysfunctional protein product. This variant is rare in the general population with a frequency below the threshold expected for the associated phenotype(s). Given the available evidence, this variant is classified as Likely Pathogenic.